The following is an entry in ClinVar:

NM_001376.5(DYNC1H1):c.3580C>T (p.Gln1194Ter)

Gene: DYNC1H1 (dynein cytoplasmic 1 heavy chain 1; plus strand). Cytogenetic location: 14q32.31.
Variant type: single nucleotide variant.
Coding change: c.3580C>T on transcript NM_001376.5 (MANE Select); coding-DNA position 3580, C replaced by T.
Protein change: p.Gln1194Ter; replaces glutamine 1194 with a stop codon.
Molecular consequence: nonsense.
Genome position (GRCh38, 1-based): chr14:101,997,050, C>T. VCF-style: chr14-101997050-C-T. GRCh37 (hg19) VCF-style: chr14-102463387-C-T.
Other names: short protein forms Q1194*.
Identifiers: ClinVar variation 2017948 (VCV002017948.4), dbSNP rs2503720079, ClinGen allele CA391035663.

ClinVar aggregate classification (germline): Uncertain significance (1 of 4 stars; one submission).

Conditions:
Charcot-Marie-Tooth disease axonal type 2O. Also called: CHARCOT-MARIE-TOOTH NEUROPATHY, AXONAL, TYPE 2O; CHARCOT-MARIE-TOOTH DISEASE, AXONAL, AUTOSOMAL DOMINANT, TYPE 2O; Charcot-Marie-Tooth Neuropathy Type 2O; Charcot-Marie-Tooth disease, axonal, type 20. Identifiers: Orphanet 284232, MedGen C3280220, MONDO:0013644, OMIM 614228.

Submission:

Labcorp Genetics (formerly Invitae), Labcorp
Classification: Uncertain significance for Charcot-Marie-Tooth disease axonal type 2O. Last evaluated: 2022-11-01. Review status: criteria provided, single submitter. Criteria: Invitae Variant Classification Sherloc (09022015). Collection method: clinical testing. Allele origin: germline.
Comment: In summary, the available evidence is currently insufficient to determine the role of this variant in disease. Therefore, it has been classified as a Variant of Uncertain Significance. This variant has not been reported in the literature in individuals affected with DYNC1H1-related conditions. This variant is not present in population databases (gnomAD no frequency). This sequence change creates a premature translational stop signal (p.Gln1194*) in the DYNC1H1 gene. It is expected to result in an absent or disrupted protein product. However, the current clinical and genetic evidence is not sufficient to establish whether loss-of-function variants in DYNC1H1 cause disease.